The following is an entry in ClinVar:

NM_000071.3(CBS):c.179C>T (p.Ala60Val)

Gene: CBS (cystathionine beta-synthase; minus strand). Cytogenetic location: 21q22.3.
Variant type: single nucleotide variant.
Coding change: c.179C>T on transcript NM_000071.3 (MANE Select); coding-DNA position 179, C replaced by T.
Protein change: p.Ala60Val; replaces alanine 60 with valine.
Molecular consequence: missense variant.
Genome position (GRCh38, 1-based): chr21:43,072,015, G>A on the plus strand (C>T on the coding strand, the complement: CBS is on the minus strand). VCF-style: chr21-43072015-G-A. GRCh37 (hg19) VCF-style: chr21-44492125-G-A.
Other names: c.179C>T, p.Ala60Val (NM_001178008.3, NM_001178009.3, NM_001320298.2); c.179C>T (NM_000071.2); short protein forms A60V.
Identifiers: ClinVar variation 1018254 (VCV001018254.11), dbSNP rs765352771, ClinGen allele CA321103781.

ClinVar aggregate classification (germline): Conflicting classifications of pathogenicity. Review status: criteria provided, conflicting classifications (1 of 4 stars). 3 submissions from 3 submitters: Uncertain significance (1); Likely benign (1). 1 of the submissions does not count toward it. Last evaluated 2026-08-17.

Conditions:
HYPERHOMOCYSTEINEMIA, THROMBOTIC, CBS-RELATED. Identifiers: MedGen C3150344, OMIM 236200.
Classic homocystinuria. Also called: Homocystinuria due to Cystathionine Beta-Synthase Deficiency; HOMOCYSTINURIA WITH OR WITHOUT RESPONSE TO PYRIDOXINE; Homocystinuria due to CBS deficiency; Cystathionine beta-synthase deficiency; CBS deficiency. Identifiers: Orphanet 394, MedGen C0751202, MONDO:0009352, OMIM 236200.
Familial thoracic aortic aneurysm and aortic dissection (TAAD). Also called: Thoracic aortic aneurysms and dissections. Identifiers: Orphanet 91387, MedGen C4707243, MONDO:0019625.

Allele frequency attached by ClinVar (database versions not stated): gnomAD exomes below 0.00001; ExAC 0.00001.

Submissions (3):

Ambry Genetics
Classification: Likely benign for Familial thoracic aortic aneurysm and aortic dissection. Last evaluated: 2026-08-17. Review status: criteria provided, single submitter. Criteria: Ambry Variant Classification Scheme 2023. Collection method: clinical testing. Allele origin: germline.

Labcorp Genetics (formerly Invitae), Labcorp
Classification: Uncertain significance for HYPERHOMOCYSTEINEMIA, THROMBOTIC, CBS-RELATED. Last evaluated: 2022-05-21. Review status: criteria provided, single submitter. Criteria: Invitae Variant Classification Sherloc (09022015). Collection method: clinical testing. Allele origin: germline.
Comment: This sequence change replaces alanine, which is neutral and non-polar, with valine, which is neutral and non-polar, at codon 60 of the CBS protein (p.Ala60Val). This variant is present in population databases (rs765352771, gnomAD 0.0009%). This variant has not been reported in the literature in individuals affected with CBS-related conditions. ClinVar contains an entry for this variant (Variation ID: 1018254). Algorithms developed to predict the effect of missense changes on protein structure and function output the following: SIFT: "Tolerated"; PolyPhen-2: "Benign"; Align-GVGD: "Class C0". The valine amino acid residue is found in multiple mammalian species, which suggests that this missense change does not adversely affect protein function. In summary, the available evidence is currently insufficient to determine the role of this variant in disease. Therefore, it has been classified as a Variant of Uncertain Significance.

Natera, Inc.
Classification: Uncertain significance for Homocystinuria due to cystathionine beta-synthase deficiency. Last evaluated: 2020-03-13. Review status: no assertion criteria provided. Collection method: clinical testing. Allele origin: germline. Not counted in ClinVar's aggregate classification.